The following is an entry in ClinVar:

ClinVar aggregate classification (germline): Likely benign (1 of 4 stars; one submission).

gnomAD v4.1: 9 of 1,494,324 alleles (0.0006%); highest among the groups gnomAD compares: Non-Finnish European, 0.00071%; no homozygotes.

Submission:

CeGaT Center for Human Genetics Tuebingen
Classification: Likely benign. Last evaluated: 2026-03-01. Review status: criteria provided, single submitter. Criteria: CeGaT Center For Human Genetics Tuebingen Variant Classification Criteria Version 2. Collection method: clinical testing. Allele origin: germline. Affected: yes. Observed: 2 variant alleles.
Comment: PRR12: BP4, BP7

NM_020719.3(PRR12):c.48C>T (p.Ala16=)

Genes: PRR12 (proline rich 12; plus strand), LOC130064931 (ATAC-STARR-seq lymphoblastoid silent region 10924; plus strand). Cytogenetic location: 19q13.33.
Variant type: single nucleotide variant.
Coding change: c.48C>T on transcript NM_020719.3 (MANE Select); coding-DNA position 48, C replaced by T.
Protein change: p.Ala16=; no amino-acid change (alanine 16 retained).
Molecular consequence: synonymous variant.
Genome position (GRCh38, 1-based): chr19:49,591,702, C>T. VCF-style: chr19-49591702-C-T. GRCh37 (hg19) VCF-style: chr19-50094959-C-T.
Identifiers: ClinVar variation 3905322 (VCV003905322.10).